The following is an entry in ClinVar:

NM_022552.5(DNMT3A):c.899T>G (p.Leu300Arg)

Gene: DNMT3A (DNA methyltransferase 3 alpha; minus strand). Cytogenetic location: 2p23.3.
Variant type: single nucleotide variant.
Coding change: c.899T>G on transcript NM_022552.5 (MANE Select); coding-DNA position 899, T replaced by G.
Protein change: p.Leu300Arg; replaces leucine 300 with arginine.
Molecular consequence: missense variant. On other transcripts: non-coding transcript variant (1).
Genome position (GRCh38, 1-based): chr2:25,247,706, A>C on the plus strand (T>G on the coding strand, the complement: DNMT3A is on the minus strand). VCF-style: chr2-25247706-A-C. GRCh37 (hg19) VCF-style: chr2-25470575-A-C.
Other names: c.443T>G, p.Leu148Arg (NM_001320893.1); c.230T>G, p.Leu77Arg (NM_001375819.1); c.332T>G, p.Leu111Arg (NM_153759.3); c.899T>G, p.Leu300Arg (NM_175629.2); short protein forms L111R, L148R, L300R, L77R.
Identifiers: ClinVar variation 1318579 (VCV001318579.3), dbSNP rs1180980391, ClinGen allele CA346075201.

ClinVar aggregate classification (germline): Conflicting classifications of pathogenicity. Review status: criteria provided, conflicting classifications (1 of 4 stars). 2 submissions from 2 submitters: Likely pathogenic (1); Uncertain significance (1). Last evaluated 2025-04-30.

Conditions:
Tatton-Brown-Rahman overgrowth syndrome. Also called: Tatton-Brown-Rahman syndrome; Tall stature-intellectual disability-facial dysmorphism syndrome. Identifiers: Orphanet 404443, MedGen C4014545, MONDO:0014382, OMIM 615879.

Allele frequency attached by ClinVar (database versions not stated): TOPMed below 0.00001.

Submissions (2):

Institute of Human Genetics, University of Leipzig Medical Center
Classification: Likely pathogenic for Tatton-Brown-Rahman overgrowth syndrome. Last evaluated: 2025-04-30. Review status: criteria provided, single submitter. Criteria: ACMG Guidelines, 2015. Collection method: clinical testing. Allele origin: de novo. Inheritance: Autosomal dominant inheritance. Affected: yes.
Comment: Criteria applied: PM1,PM2,PP3,PS2

GeneDx
Classification: Uncertain significance. Last evaluated: 2021-02-24. Review status: criteria provided, single submitter. Criteria: GeneDx Variant Classification Process June 2021. Collection method: clinical testing. Allele origin: germline. Affected: yes.
Comment: Not observed in large population cohorts (Lek et al., 2016); In silico analysis supports that this missense variant has a deleterious effect on protein structure/function; Has not been previously published as pathogenic or benign to our knowledge